The following is an entry in ClinVar:

NM_000455.5(STK11):c.1147C>T (p.Arg383Cys)

Gene: STK11 (serine/threonine kinase 11; plus strand). Cytogenetic location: 19p13.3.
Variant type: single nucleotide variant.
Coding change: c.1147C>T on transcript NM_000455.5 (MANE Select); coding-DNA position 1147, C replaced by T.
Protein change: p.Arg383Cys; replaces arginine 383 with cysteine.
Molecular consequence: missense variant.
Genome position (GRCh38, 1-based): chr19:1,226,492, C>T. VCF-style: chr19-1226492-C-T. GRCh37 (hg19) VCF-style: chr19-1226491-C-T.
Other names: short protein forms R383C.
Identifiers: ClinVar variation 142289 (VCV000142289.34), dbSNP rs535449626, ClinGen allele CA022357.

ClinVar aggregate classification (germline): Conflicting classifications of pathogenicity. Review status: criteria provided, conflicting classifications (1 of 4 stars). 8 submissions from 8 submitters: Uncertain significance (5); Likely benign (3). Last evaluated 2025-12-28.

Conditions:
Hereditary cancer-predisposing syndrome. Also called: Neoplastic Syndromes, Hereditary; Hereditary Cancer Syndrome; Hereditary neoplastic syndrome; Tumor predisposition. Identifiers: Orphanet 140162, MedGen C0027672, MeSH D009386, MONDO:0015356.
Peutz-Jeghers syndrome (PJS). Also called: Peutz-Jeghers polyposis; Periorificial lentiginosis syndrome; POLYPOSIS, HAMARTOMATOUS INTESTINAL; POLYPS-AND-SPOTS SYNDROME. Identifiers: Orphanet 2869, MedGen C0031269, MeSH D010580, MONDO:0008280, OMIM 175200.

Allele frequency attached by ClinVar (database versions not stated): gnomAD 0.00001; gnomAD exomes 0.00001 and 0.00003; ExAC 0.00002; TOPMed 0.00002; 1000 Genomes Project 0.00020; 1000 Genomes Project 30x 0.00031.
gnomAD v4.1: 44 of 1,611,238 alleles (0.0027%); highest among the groups gnomAD compares: African/African-American, 0.0067%; no homozygotes.

Submissions (8):

Labcorp Genetics (formerly Invitae), Labcorp
Classification: Likely benign for Peutz-Jeghers syndrome. Last evaluated: 2025-12-28. Review status: criteria provided, single submitter. Criteria: Invitae Variant Classification Sherloc (09022015). Collection method: clinical testing. Allele origin: germline.

Color Diagnostics, LLC DBA Color Health
Classification: Likely benign for Hereditary cancer-predisposing syndrome. Last evaluated: 2025-07-11. Review status: criteria provided, single submitter. Criteria: ACMG Guidelines, 2015. Collection method: clinical testing. Allele origin: germline.

Ambry Genetics
Classification: Likely benign for Hereditary cancer-predisposing syndrome. Last evaluated: 2024-06-04. Review status: criteria provided, single submitter. Criteria: Ambry Variant Classification Scheme 2023. Collection method: clinical testing. Allele origin: germline.

Women's Health and Genetics/Laboratory Corporation of America, LabCorp
Classification: Uncertain significance. Last evaluated: 2024-03-24. Review status: criteria provided, single submitter. Criteria: LabCorp Variant Classification Summary - May 2015. Collection method: clinical testing. Allele origin: germline.
Comment: Variant summary: STK11 c.1147C>T (p.Arg383Cys) results in a non-conservative amino acid change in the encoded protein sequence. Four of five in-silico tools predict a benign effect of the variant on protein function. The variant allele was found at a frequency of 1.9e-05 in 263928 control chromosomes. The available data on variant occurrences in the general population are insufficient to allow any conclusion about variant significance. Although observed in the literature (example, Momozawa_2018), to our knowledge, no occurrence of c.1147C>T in individuals affected with Peutz-Jeghers Syndrome and no experimental evidence demonstrating its impact on protein function have been reported. The following publication have been ascertained in the context of this evaluation (PMID: 30287823). ClinVar contains an entry for this variant (Variation ID: 142289). Based on the evidence outlined above, the variant was classified as uncertain significance.

GeneDx
Classification: Uncertain significance. Last evaluated: 2024-02-20. Review status: criteria provided, single submitter. Criteria: GeneDx Variant Classification Process June 2021. Collection method: clinical testing. Allele origin: germline. Affected: yes.
Comment: Not observed at significant frequency in large population cohorts (gnomAD); In silico analysis supports that this missense variant does not alter protein structure/function; Identified in an individual with prostate cancer (PMID: 36095024); This variant is associated with the following publications: (PMID: 30287823, 28900777, 36243179, 32980694, 36095024)

All of Us Research Program, National Institutes of Health
Classification: Uncertain significance for Peutz-Jeghers syndrome. Last evaluated: 2023-10-27. Review status: criteria provided, single submitter. Criteria: ACMG Guidelines, 2015. Collection method: clinical testing. Allele origin: germline. Inheritance: Autosomal dominant inheritance. Observed: 3 variant alleles, 3 heterozygotes.
Comment: This missense variant replaces arginine with cysteine at codon 383 of the STK11 protein. Computational prediction suggests that this variant may not impact protein structure and function (internally defined REVEL score threshold <= 0.5, PMID: 27666373). Splice site prediction tools suggest that this variant may not impact RNA splicing. To our knowledge, functional studies have not been performed for this variant. This variant has not been reported in individuals affected with hereditary cancer in the literature, but has been observed in control individuals (PMID: 32980694, 30287823). This variant has been identified in 3/241446 chromosomes in the general population by the Genome Aggregation Database (gnomAD). The available evidence is insufficient to determine the role of this variant in disease conclusively. Therefore, this variant is classified as a Variant of Uncertain Significance.

This study involves interpretation of variants in research participants for the purpose of population health screening. Participant phenotype was not available at the time of variant classification. Additional details can be found in publication PMID: 35346344, PMCID: PMC8962531

Centre of Medical Genetics, University Hospital Muenster
Classification: Uncertain significance. Last evaluated: 2021-12-20. Review status: criteria provided, single submitter. Criteria: ACMG Guidelines, 2015. Collection method: clinical testing. Allele origin: unknown. Affected: yes. Observed: 1 variant allele, 1 heterozygote.
Comment: ACMG categories: PP3

Genome-Nilou Lab
Classification: Uncertain significance for Peutz-Jeghers syndrome. Last evaluated: 2021-07-15. Review status: criteria provided, single submitter. Criteria: ACMG Guidelines, 2015. Collection method: clinical testing. Allele origin: germline. Affected: no.

Literature cited by the submitters: PubMed 30287823 (cited by 3 submitters); PubMed 32980694 (cited by All of Us Research Program, National Institutes of Health).